The following is an entry in ClinVar:

NM_138694.4(PKHD1):c.7560dup (p.Ala2521fs)

Gene: PKHD1 (PKHD1 ciliary IPT domain containing fibrocystin/polyductin; minus strand). Cytogenetic location: 6p12.2.
Variant type: Duplication.
Coding change: c.7560dup on transcript NM_138694.4 (MANE Select); coding-DNA position 7560, one base duplicated (T; older notation c.7560dupT).
Protein change: p.Ala2521fs; shifts the reading frame from alanine 2521.
Molecular consequence: frameshift variant.
Genome position (GRCh38, 1-based): chr6:51,868,036, A duplicated on the plus strand (T on the coding strand, the reverse complement: PKHD1 is on the minus strand). VCF-style (leftmost placement, unchanged base first): chr6-51868035-C-CA. GRCh37 (hg19) VCF-style: chr6-51732833-C-CA.
Other names: c.7560dup, p.Ala2521fs (NM_170724.3); short protein forms A2521fs.
Identifiers: ClinVar variation 216135 (VCV000216135.10), dbSNP rs863224528, ClinGen allele CA339528.
Genomic context (GRCh38, chr6:51,868,035, plus strand): 5'-CAAGAATGTGACTTCTGTTTTTCCCAGACAGAGACCCATCCAAGTCTTCCAAAATTGCTG[C>CA]ATGAGGAAATGGAAATGCCACTAAGTTTGAAGAGTTTGTAAACTTCAACTGGCTGGTCTT-3'

ClinVar aggregate classification (germline): Pathogenic/Likely pathogenic. Review status: criteria provided, multiple submitters, no conflicts (2 of 4 stars). 2 submissions from 2 submitters: Pathogenic (1); Likely pathogenic (1). Last evaluated 2024-02-10.

Conditions:
Polycystic kidney disease 4 (PKD4). Also called: POLYCYSTIC KIDNEY DISEASE 4 WITH OR WITHOUT POLYCYSTIC LIVER DISEASE; POLYCYSTIC KIDNEY AND HEPATIC DISEASE 1; POLYCYSTIC KIDNEY DISEASE, INFANTILE, TYPE I; Autosomal Recessive Polycystic Kidney Disease – PKHD1; PKD3. Identifiers: MedGen C4540575, MONDO:0033004, OMIM 263200.
Autosomal recessive polycystic kidney disease (ARPKD). Also called: AR polycystic kidney disease. Identifiers: Orphanet 731, Orphanet 8378, MedGen C0085548, MeSH D017044, MONDO:0009889.

Allele frequency attached by ClinVar (database versions not stated): gnomAD exomes below 0.00001.

Submissions (2):

Baylor Genetics
Classification: Likely pathogenic for Polycystic kidney disease 4. Last evaluated: 2024-02-10. Review status: criteria provided, single submitter. Criteria: ACMG Guidelines, 2015. Collection method: clinical testing. Allele origin: unknown.

Labcorp Genetics (formerly Invitae), Labcorp
Classification: Pathogenic for Autosomal recessive polycystic kidney disease. Last evaluated: 2015-02-09. Review status: criteria provided, single submitter. Criteria: Invitae Variant Classification Sherloc (09022015). Collection method: clinical testing. Allele origin: germline.
Comment: For these reasons, this variant has been classified as Pathogenic. While this particular variant has not been reported in the literature, truncating variants in PKHD1 are known to be pathogenic (PMID: 1569842). This sequence change inserts 1 nucleotide in exon 48 of the PKHD1 mRNA (c.7560dupT), causing a frameshift at codon 2521. This creates a premature translational stop signal (p.Ala2521Cysfs*63) and is expected to result in an absent or disrupted protein product.

Literature cited by the submitters: PubMed 1569842 (cited by Labcorp Genetics (formerly Invitae), Labcorp).